The following is an entry in ClinVar:

NM_000557.5(GDF5):c.562G>C (p.Gly188Arg)

Gene: GDF5 (growth differentiation factor 5; minus strand). Cytogenetic location: 20q11.22.
Variant type: single nucleotide variant.
Coding change: c.562G>C on transcript NM_000557.5 (MANE Select); coding-DNA position 562, G replaced by C.
Protein change: p.Gly188Arg; replaces glycine 188 with arginine.
Molecular consequence: missense variant.
Genome position (GRCh38, 1-based): chr20:35,437,367, C>G on the plus strand (G>C on the coding strand, the complement: GDF5 is on the minus strand). VCF-style: chr20-35437367-C-G. GRCh37 (hg19) VCF-style: chr20-34025147-C-G.
Other names: c.562G>C, p.Gly188Arg (NM_001319138.2); short protein forms G188R.
Identifiers: ClinVar variation 4681478 (VCV004681478.5).

ClinVar aggregate classification (germline): Uncertain significance (1 of 4 stars; one submission).

gnomAD v4.1: 3 of 1,612,966 alleles (0.00019%); highest among the groups gnomAD compares: Non-Finnish European, 0.00025%; no homozygotes.

Submission:

CeGaT Center for Human Genetics Tuebingen
Classification: Uncertain significance. Last evaluated: 2025-12-01. Review status: criteria provided, single submitter. Criteria: CeGaT Center For Human Genetics Tuebingen Variant Classification Criteria Version 2. Collection method: clinical testing. Allele origin: germline. Affected: yes. Observed: 1 variant allele.
Comment: GDF5: PM2, BP4